The following is an entry in ClinVar:

NM_017780.4(CHD7):c.1445G>C (p.Gly482Ala)

Gene: CHD7 (chromodomain helicase DNA binding protein 7; plus strand). Cytogenetic location: 8q12.2.
Variant type: single nucleotide variant.
Coding change: c.1445G>C on transcript NM_017780.4 (MANE Select); coding-DNA position 1445, G replaced by C.
Protein change: p.Gly482Ala; replaces glycine 482 with alanine.
Molecular consequence: missense variant.
Genome position (GRCh38, 1-based): chr8:60,742,877, G>C. VCF-style: chr8-60742877-G-C. GRCh37 (hg19) VCF-style: chr8-61655436-G-C.
Other names: c.1445G>C, p.Gly482Ala (NM_001316690.1); short protein forms G482A.
Identifiers: ClinVar variation 1311987 (VCV001311987.3), dbSNP rs911422083, ClinGen allele CA371302996.
Genomic context (GRCh38, chr8:60,742,877, plus strand): 5'-TAGGCATGTCCTCGGCACCAAGGGAATTGACTGGGCACATGAGGCCAAATGGTTGTCCTG[G>C]TGTTGGCCTTGGAGACCCACAAGCAATCCAGGAACGACTGATACCTGGCCAACAACATCC-3'
Protein context (NP_060250.2, residues 472-492): TGHMRPNGCP[Gly482Ala]VGLGDPQAIQ

ClinVar aggregate classification (germline): Uncertain significance. Review status: criteria provided, multiple submitters, no conflicts (2 of 4 stars). 2 submissions from 2 submitters: Uncertain significance (2). Last evaluated 2022-02-11.

Conditions:
Hypogonadotropic hypogonadism 5 with or without anosmia (KAL5). Also called: HYPOGONADOTROPIC HYPOGONADISM 5 WITH ANOSMIA; CHD7-Related GnRH Deficiency (Kallmann Syndrome 5); HYPOGONADOTROPHIC HYPOGONADISM 5 WITHOUT ANOSMIA. Identifiers: Orphanet 478, MedGen C3552553, MONDO:0012880, OMIM 612370. Disease mechanism: loss of function.
CHARGE syndrome (CHARGE). Also called: Hittner Hirsch Kreh syndrome; CHARGE ASSOCIATION--COLOBOMA, HEART ANOMALY, CHOANAL ATRESIA, RETARDATION, GENITAL AND EAR ANOMALIES; Coloboma, heart anomaly, choanal atresia, retardation, genital and ear anomalies; CHARGE association; Hall-Hittner syndrome. Identifiers: Orphanet 138, MedGen C0265354, MONDO:0008965.

Allele frequency attached by ClinVar (database versions not stated): gnomAD exomes below 0.00001; gnomAD 0.00001; TOPMed 0.00001.
gnomAD v4.1: 4 of 1,612,246 alleles (0.00025%); highest among the groups gnomAD compares: Non-Finnish European, 0.00034%; no homozygotes.

Submissions (2):

Fulgent Genetics
Classification: Uncertain significance for CHD7-related CHARGE syndrome; Hypogonadotropic hypogonadism 5 with or without anosmia. Last evaluated: 2022-02-11. Review status: criteria provided, single submitter. Criteria: ACMG Guidelines, 2015. Collection method: clinical testing. Allele origin: unknown.

GeneDx
Classification: Uncertain significance. Last evaluated: 2020-01-15. Review status: criteria provided, single submitter. Criteria: GeneDx Variant Classification Process June 2021. Collection method: clinical testing. Allele origin: germline. Affected: yes.
Comment: Not observed in large population cohorts (Lek et al., 2016); In silico analysis, which includes protein predictors and evolutionary conservation, supports that this variant does not alter protein structure/function; Has not been previously published as pathogenic or benign to our knowledge